The following is an entry in ClinVar:

ClinVar aggregate classification (germline): Benign. Review status: criteria provided, multiple submitters, no conflicts (2 of 4 stars). 2 submissions from 2 submitters: Benign (2). Last evaluated 2018-01-13.

Conditions:
Nephrotic syndrome, type 3 (NPHS3). Also called: NEPHROTIC SYNDROME, EARLY-ONSET, TYPE 3. Identifiers: Orphanet 656, MedGen C1853124, MONDO:0012546, OMIM 610725.

Allele frequency attached by ClinVar (database versions not stated): gnomAD exomes 0.00143; gnomAD 0.01235 and 0.01314; TOPMed 0.01433; 1000 Genomes Project 0.01438; 1000 Genomes Project 30x 0.01624.
gnomAD v4.1: 2,099 of 309,348 alleles (0.68%); highest among the groups gnomAD compares: African/African-American, 4.2%; 54 homozygotes.

Submissions (2):

Illumina Laboratory Services, Illumina
Classification: Benign for Nephrotic syndrome, type 3. Last evaluated: 2018-01-13. Review status: criteria provided, single submitter. Criteria: ICSL Variant Classification Criteria 13 December 2019. Collection method: clinical testing. Allele origin: germline.
Comment: This variant was observed in the ICSL laboratory as part of a predisposition screen in an ostensibly healthy population. It had not been previously curated by ICSL or reported in the Human Gene Mutation Database (HGMD: prior to June 1st, 2018), and was therefore a candidate for classification through an automated scoring system. Utilizing variant allele frequency, disease prevalence and penetrance estimates, and inheritance mode, an automated score was calculated to assess if this variant is too frequent to cause the disease. Based on the score and internal cut-off values, a variant classified as benign is not then subjected to further curation. The score for this variant resulted in a classification of benign for this disease.

Breakthrough Genomics
Classification: Benign. Review status: criteria provided, single submitter. Criteria: ACMG Guidelines, 2015. Collection method: not provided. Allele origin: germline. Inheritance: Autosomal recessive inheritance. Affected: yes.

NM_016341.4(PLCE1):c.*253C>T

Genes: NOC3L (NOC3 like DNA replication regulator; minus strand), PLCE1 (phospholipase C epsilon 1; plus strand). Cytogenetic location: 10q23.33.
Variant type: single nucleotide variant.
Coding change: c.*253C>T on transcript NM_016341.4 (MANE Select); 253 bases downstream of the stop codon, C replaced by T.
Molecular consequence: 3 prime UTR variant.
Genome position (GRCh38, 1-based): chr10:94,328,196, C>T. VCF-style: chr10-94328196-C-T. GRCh37 (hg19) VCF-style: chr10-96087953-C-T.
Other names: c.*253C>T (NM_001165979.2, NM_001288989.2).
Identifiers: ClinVar variation 301740 (VCV000301740.6), dbSNP rs79412094, ClinGen allele CA10636581.
Genomic context (GRCh38, chr10:94,328,196, plus strand): 5'-TTTACTGATGAATGAAGCCCAGGGGACTGCCATTTTATAAATGTCAGCAGTTGGAAAAAT[C>T]GTCACGAATTGACTTAGAGCAAGGGTCAGCAAGCTTGTCTGTAAAGGGCCAAACAGTAAA-3'